The following is an entry in ClinVar:

NM_031433.4(MFRP):c.477C>G (p.Asn159Lys)

Genes: C1QTNF5 (C1q and TNF related 5; minus strand), MFRP (membrane frizzled-related protein; minus strand). Cytogenetic location: 11q23.3.
Variant type: single nucleotide variant.
Coding change: c.477C>G on transcript NM_031433.4 (MANE Select); coding-DNA position 477, C replaced by G.
Protein change: p.Asn159Lys; replaces asparagine 159 with lysine.
Molecular consequence: missense variant. On other transcripts: 5 prime UTR variant (1).
Genome position (GRCh38, 1-based): chr11:119,345,584, G>C on the plus strand (C>G on the coding strand, the complement: MFRP is on the minus strand). VCF-style: chr11-119345584-G-C. GRCh37 (hg19) VCF-style: chr11-119216294-G-C.
Other names: c.-2160C>G (NM_015645.5); short protein forms N159K.
Identifiers: ClinVar variation 879561 (VCV000879561.10), dbSNP rs140629667, ClinGen allele CA6320537.
Genomic context (GRCh38, chr11:119,345,584, plus strand): 5'-GTCTGTGGCCACCTGGATATGCCACACGCAGTGGGTGTTGGGGGGGTAAGGGTCTGGGTA[G>C]TTAGGGCTGCTGAAGAAGCCCCTTGGGCCAGAGAGGAGGCCTCCACAGGCTGCAGAGATG-3'
Protein context (NP_113621.1, residues 149-169): SGPRGFFSSP[Asn159Lys]YPDPYPPNTH

ClinVar aggregate classification (germline): Uncertain significance. Review status: criteria provided, multiple submitters, no conflicts (2 of 4 stars). 4 submissions from 3 submitters: Uncertain significance (4). Last evaluated 2024-07-04.

Conditions:
Isolated microphthalmia 5. Also called: Posterior Microphthalmia with Retinitis Pigmentosa, Foveoschisis, and Optic Disc Drusen. Identifiers: Orphanet 251279, MedGen C1970236, MONDO:0012605, OMIM 611040.
Late-onset retinal degeneration (LORD). Also called: RETINAL DEGENERATION, LATE-ONSET, AUTOSOMAL DOMINANT. Identifiers: Orphanet 67042, MedGen C1854065, MONDO:0011579, OMIM 605670. Disease mechanism: loss of function.

Allele frequency attached by ClinVar (database versions not stated): gnomAD exomes 0.00030 and 0.00017; ExAC 0.00012; TOPMed 0.00020; ESP Exome Variant Server 0.00015; gnomAD 0.00023.
gnomAD v4.1: 472 of 1,613,822 alleles (0.029%); highest among the groups gnomAD compares: Non-Finnish European, 0.032%; no homozygotes.

Submissions (4):

Blueprint Genetics
Classification: Uncertain significance. Last evaluated: 2024-07-04. Review status: criteria provided, single submitter. Criteria: ACMG Guidelines, 2015. Collection method: clinical testing. Allele origin: germline.

Labcorp Genetics (formerly Invitae), Labcorp
Classification: Uncertain significance for Isolated microphthalmia 5. Last evaluated: 2022-06-20. Review status: criteria provided, single submitter. Criteria: Invitae Variant Classification Sherloc (09022015). Collection method: clinical testing. Allele origin: germline.
Comment: This sequence change replaces asparagine, which is neutral and polar, with lysine, which is basic and polar, at codon 159 of the MFRP protein (p.Asn159Lys). This variant is present in population databases (rs140629667, gnomAD 0.2%). This variant has not been reported in the literature in individuals affected with MFRP-related conditions. ClinVar contains an entry for this variant (Variation ID: 879561). Algorithms developed to predict the effect of missense changes on protein structure and function are either unavailable or do not agree on the potential impact of this missense change (SIFT: "Deleterious"; PolyPhen-2: "Possibly Damaging"; Align-GVGD: "Class C0"). In summary, the available evidence is currently insufficient to determine the role of this variant in disease. Therefore, it has been classified as a Variant of Uncertain Significance.

Illumina Laboratory Services, Illumina
Classification: Uncertain significance for Late-onset retinal degeneration. Last evaluated: 2018-03-16. Review status: criteria provided, single submitter. Criteria: ICSL Variant Classification Criteria 13 December 2019. Collection method: clinical testing. Allele origin: germline.

Illumina Laboratory Services, Illumina
Classification: Uncertain significance for Isolated microphthalmia 5. Last evaluated: 2018-03-16. Review status: criteria provided, single submitter. Criteria: ICSL Variant Classification Criteria 13 December 2019. Collection method: clinical testing. Allele origin: germline.